The following is an entry in ClinVar:

NM_004370.6(COL12A1):c.5092A>T (p.Met1698Leu)

Gene: COL12A1 (collagen type XII alpha 1 chain; minus strand). Cytogenetic location: 6q13.
Variant type: single nucleotide variant.
Coding change: c.5092A>T on transcript NM_004370.6 (MANE Select); coding-DNA position 5092, A replaced by T.
Protein change: p.Met1698Leu; replaces methionine 1698 with leucine.
Molecular consequence: missense variant.
Genome position (GRCh38, 1-based): chr6:75,138,827, T>A on the plus strand (A>T on the coding strand, the complement: COL12A1 is on the minus strand). VCF-style: chr6-75138827-T-A. GRCh37 (hg19) VCF-style: chr6-75848543-T-A.
Other names: p.Met1698Leu; c.5092A>T, p.Met1698Leu (NM_001424113.1, NM_001424114.1); c.4819A>T, p.Met1607Leu (NM_001424115.1); c.1600A>T, p.Met534Leu (NM_001424116.1, NM_080645.3); short protein forms M1698L, M1607L, M534L.
Identifiers: ClinVar variation 4541185 (VCV004541185.1).
Genomic context (GRCh38, chr6:75,138,827, plus strand): 5'-CTACAAATTAAATGGGACATGAAAGACAGAGAGAAAGATAAAGAGAGTTAACTACCTCCA[T>A]CTTATCTGAGCTTCCAAAAGGTGCCCAAGTTATTCTGTAGAGAGACACATCTGAAGCTCC-3'
Protein context (NP_004361.3, residues 1688-1708): TWAPFGSSDK[Met1698Leu]ETILNGDENT

ClinVar aggregate classification (germline): Uncertain significance (1 of 4 stars; one submission).

Submission:

Mayo Clinic Laboratories, Mayo Clinic
Classification: Uncertain significance. Last evaluated: 2025-11-29. Review status: criteria provided, single submitter. Criteria: ACMG Guidelines, 2015. Collection method: clinical testing. Allele origin: germline. Observed: 1 variant allele.
Comment: BP4_moderate, PM2_supporting